The following is an entry in ClinVar:

NM_015634.4(KIFBP):c.1062GGA[1] (p.Glu356del)

Gene: KIFBP (kinesin family binding protein; plus strand). Cytogenetic location: 10q22.1.
Variant type: Microsatellite.
Coding change: c.1062GGA[1] on transcript NM_015634.4 (MANE Select); one copy of the 3-base unit GGA starting at c.1062; the reference has two copies in a row; one copy, 3 bases deleted.
Protein change: p.Glu356del; deletes glutamic acid 356.
Molecular consequence: inframe deletion.
Genome position (GRCh38, 1-based): chr10:69,015,615-69,015,617, GGA deleted; deleting any 3 consecutive bases within chr10:69,015,610-69,015,617 gives the same sequence; the position shown is the placement nearest the transcript's 3' end. VCF-style (leftmost placement, unchanged base first): chr10-69015609-TGAG-T. GRCh37 (hg19) VCF-style: chr10-70775365-TGAG-T.
Other names: short protein forms E356del.
Identifiers: ClinVar variation 3115004 (VCV003115004.1), dbSNP rs1281074366, ClinGen allele CA470275673.

ClinVar aggregate classification (germline): Uncertain significance (1 of 4 stars; one submission).

Submission:

Ambry Genetics
Classification: Uncertain significance. Last evaluated: 2021-04-28. Review status: criteria provided, single submitter. Criteria: Ambry Variant Classification Scheme 2023. Collection method: clinical testing. Allele origin: germline.
Comment: The c.1065_1067delGGA (p.E356del) alteration is located in exon 7 (coding exon 7) of the KIF1BP gene. This alteration consists of an in-frame deletion of 3 nucleotides between nucleotide positions c.1065 and c.1067, resulting in the deletion of <NA> residues. Based on insufficient or conflicting evidence, the clinical significance of this alteration remains unclear.